The following is an entry in ClinVar:

NM_000053.4(ATP7B):c.2386A>C (p.Met796Leu)

Gene: ATP7B (ATPase copper transporting beta; minus strand). Cytogenetic location: 13q14.3.
Variant type: single nucleotide variant.
Coding change: c.2386A>C on transcript NM_000053.4 (MANE Select); coding-DNA position 2386, A replaced by C.
Protein change: p.Met796Leu; replaces methionine 796 with leucine.
Molecular consequence: missense variant. On other transcripts: intron variant (1).
Genome position (GRCh38, 1-based): chr13:51,957,577, T>G on the plus strand (A>C on the coding strand, the complement: ATP7B is on the minus strand). VCF-style: chr13-51957577-T-G. GRCh37 (hg19) VCF-style: chr13-52531713-T-G.
Other names: c.1900A>C, p.Met634Leu (NM_001005918.3, NM_001406541.1, NM_001406542.1 and 1 more transcripts); c.2053A>C, p.Met685Leu (NM_001243182.2); c.2152A>C, p.Met718Leu (NM_001330578.2, NM_001406527.1, NM_001406528.1 and 2 more transcripts); c.2134A>C, p.Met712Leu (NM_001330579.2, NM_001406540.1, NM_001406531.1 and 1 more transcripts); c.2386A>C, p.Met796Leu (NM_001406511.1, NM_001406512.1, NM_001406513.1 and 7 more transcripts); c.2353A>C, p.Met785Leu (NM_001406514.1); c.2290A>C, p.Met764Leu (NM_001406517.1, NM_001406518.1); c.2242A>C, p.Met748Leu (NM_001406520.1, NM_001406521.1, NM_001406522.1 and 1 more transcripts); and 8 more; short protein forms M580L, M602L, M634L, M653L, M680L, M685L, M686L, M712L.
Identifiers: ClinVar variation 4758112 (VCV004758112.1).

ClinVar aggregate classification (germline): Uncertain significance (1 of 4 stars; one submission).

Conditions:
Wilson disease (WND). Also called: Wilson's disease. Identifiers: Orphanet 905, MedGen C0019202, MONDO:0010200, OMIM 277900. Disease mechanism: loss of function.

gnomAD v4.1: 1 of 1,614,188 alleles (0.000062%); highest among the groups gnomAD compares: Non-Finnish European, 0.000085%; no homozygotes.

Submission:

Color Diagnostics, LLC DBA Color Health
Classification: Uncertain significance for Wilson disease. Last evaluated: 2025-09-29. Review status: criteria provided, single submitter. Criteria: ACMG Guidelines, 2015. Collection method: clinical testing. Allele origin: germline.
Comment: This missense variant replaces methionine with leucine at codon 796 of the ATP7B protein. Computational prediction suggests that this variant may not impact protein structure and function. To our knowledge, functional studies have not been reported for this variant. This variant has not been reported in individuals affected with ATP7B-related disorders in the literature. This variant has been identified in 1/1461838 chromosomes in the general population by the Genome Aggregation Database (gnomAD). The available evidence is insufficient to determine the role of this variant in disease conclusively. Therefore, this variant is classified as a Variant of Uncertain Significance.